The following is an entry in ClinVar:

NM_001127208.3(TET2):c.194G>A (p.Cys65Tyr)

Genes: TET2 (tet methylcytosine dioxygenase 2; plus strand), TET2-AS1 (TET2 antisense RNA 1; minus strand). Cytogenetic location: 4q24.
Variant type: single nucleotide variant.
Coding change: c.194G>A on transcript NM_001127208.3 (MANE Select); coding-DNA position 194, G replaced by A.
Protein change: p.Cys65Tyr; replaces cysteine 65 with tyrosine.
Molecular consequence: missense variant.
Genome position (GRCh38, 1-based): chr4:105,234,136, G>A. VCF-style: chr4-105234136-G-A. GRCh37 (hg19) VCF-style: chr4-106155293-G-A.
Other names: c.194G>A, p.Cys65Tyr (NM_017628.4); short protein forms C65Y.
Identifiers: ClinVar variation 3967631 (VCV003967631.1).

ClinVar aggregate classification (germline): Uncertain significance (1 of 4 stars; one submission).

Submission:

Ambry Genetics
Classification: Uncertain significance. Last evaluated: 2025-05-15. Review status: criteria provided, single submitter. Criteria: Ambry Variant Classification Scheme 2023. Collection method: clinical testing. Allele origin: germline.
Comment: The p.C65Y variant (also known as c.194G>A), located in coding exon 1 of the TET2 gene, results from a G to A substitution at nucleotide position 194. The cysteine at codon 65 is replaced by tyrosine, an amino acid with highly dissimilar properties. This amino acid position is conserved. In addition, this alteration is predicted to be tolerated by in silico analysis. Based on the available evidence, the clinical significance of this variant remains unclear.